The following is an entry in ClinVar:

ClinVar aggregate classification (germline): Uncertain significance (1 of 4 stars; one submission).

Conditions:
Inborn genetic diseases. Identifiers: MedGen C0950123, MeSH D030342.

Submission:

Ambry Genetics
Classification: Uncertain significance for Inborn genetic diseases. Last evaluated: 2025-09-01. Review status: criteria provided, single submitter. Criteria: Ambry Variant Classification Scheme 2023. Collection method: clinical testing. Allele origin: germline.
Comment: The p.R1051I variant (also known as c.3152G>T), located in coding exon 31 of the RTEL1 gene, results from a G to T substitution at nucleotide position 3152. The arginine at codon 1051 is replaced by isoleucine, an amino acid with similar properties. This amino acid position is conserved. In addition, this alteration is predicted to be tolerated by in silico analysis. Based on the available evidence, the clinical significance of this variant remains unclear.

NM_001283009.2(RTEL1):c.3152G>T (p.Arg1051Ile)

Genes: RTEL1 (regulator of telomere elongation helicase 1; plus strand), RTEL1-TNFRSF6B (RTEL1-TNFRSF6B readthrough (NMD candidate); plus strand). Cytogenetic location: 20q13.33.
Variant type: single nucleotide variant.
Coding change: c.3152G>T on transcript NM_001283009.2 (MANE Select); coding-DNA position 3152, G replaced by T.
Protein change: p.Arg1051Ile; replaces arginine 1051 with isoleucine.
Molecular consequence: missense variant. On other transcripts: non-coding transcript variant (1).
Genome position (GRCh38, 1-based): chr20:63,694,783, G>T. VCF-style: chr20-63694783-G-T. GRCh37 (hg19) VCF-style: chr20-62326136-G-T.
Other names: c.2483G>T, p.Arg828Ile (NM_001283010.1); c.3152G>T, p.Arg1051Ile (NM_016434.4); c.3224G>T, p.Arg1075Ile (NM_032957.5); short protein forms R1075I, R1051I, R828I.
Identifiers: ClinVar variation 4157718 (VCV004157718.1).